The following is an entry in ClinVar:

NM_001370298.3(FGD4):c.1129G>A (p.Ala377Thr)

Gene: FGD4 (FYVE, RhoGEF and PH domain containing 4; plus strand). Cytogenetic location: 12p11.21.
Variant type: single nucleotide variant.
Coding change: c.1129G>A on transcript NM_001370298.3 (MANE Select); coding-DNA position 1129, G replaced by A.
Protein change: p.Ala377Thr; replaces alanine 377 with threonine.
Molecular consequence: missense variant. On other transcripts: 5 prime UTR variant (2).
Genome position (GRCh38, 1-based): chr12:32,601,305, G>A. VCF-style: chr12-32601305-G-A. GRCh37 (hg19) VCF-style: chr12-32754239-G-A.
Other names: c.973G>A, p.Ala325Thr (NM_001304481.2); c.-27G>A (NM_001304483.2); c.-334G>A (NM_001304484.2); c.439G>A, p.Ala147Thr (NM_001330373.2, NM_001330374.2, NM_001384130.1); c.166G>A, p.Ala56Thr (NM_001370297.1); c.1129G>A, p.Ala377Thr (NM_001384126.1); c.718G>A, p.Ala240Thr (NM_001384127.1, NM_001384128.1, NM_001385118.1 and 1 more transcripts); short protein forms A240T, A147T, A325T, A377T, A56T.
Identifiers: ClinVar variation 2148081 (VCV002148081.4), dbSNP rs771794642, ClinGen allele CA6506708.

ClinVar aggregate classification (germline): Uncertain significance (1 of 4 stars; one submission).

Conditions:
Charcot-Marie-Tooth disease type 4. Also called: Charcot-Marie-Tooth, Type 4; Charcot-Marie-Tooth disease, type IV. Identifiers: Orphanet 64749, MedGen C4082197, MONDO:0018995.

Allele frequency attached by ClinVar (database versions not stated): ExAC 0.00001; gnomAD 0.00001; TOPMed 0.00001; gnomAD exomes 0.00002.
gnomAD v4.1: 34 of 1,614,000 alleles (0.0021%); highest among the groups gnomAD compares: Non-Finnish European, 0.0027%; no homozygotes.

Submission:

Labcorp Genetics (formerly Invitae), Labcorp
Classification: Uncertain significance for Charcot-Marie-Tooth disease type 4. Last evaluated: 2022-01-19. Review status: criteria provided, single submitter. Criteria: Invitae Variant Classification Sherloc (09022015). Collection method: clinical testing. Allele origin: germline.
Comment: In summary, the available evidence is currently insufficient to determine the role of this variant in disease. Therefore, it has been classified as a Variant of Uncertain Significance. Algorithms developed to predict the effect of missense changes on protein structure and function are either unavailable or do not agree on the potential impact of this missense change (SIFT: "Deleterious"; PolyPhen-2: "Benign"; Align-GVGD: "Class C55"). This variant has not been reported in the literature in individuals affected with FGD4-related conditions. This variant is present in population databases (rs771794642, gnomAD 0.002%). This sequence change replaces alanine, which is neutral and non-polar, with threonine, which is neutral and polar, at codon 240 of the FGD4 protein (p.Ala240Thr).